The following is an entry in ClinVar:

ClinVar aggregate classification (germline): Uncertain significance (1 of 4 stars; one submission).

Conditions:
Primary ciliary dyskinesia. Also called: Ciliary dyskinesia. Identifiers: Orphanet 244, MedGen C0008780, MONDO:0016575, HP:0012265.

Allele frequency attached by ClinVar (database versions not stated): ExAC 0.00002; gnomAD 0.00002.
gnomAD v4.1: 19 of 1,613,714 alleles (0.0012%); highest among the groups gnomAD compares: South Asian, 0.011%; 1 homozygote.

Submission:

Ambry Genetics
Classification: Uncertain significance for Primary ciliary dyskinesia. Last evaluated: 2022-07-25. Review status: criteria provided, single submitter. Criteria: Ambry Variant Classification Scheme 2023. Collection method: clinical testing. Allele origin: germline.
Comment: The p.P538A variant (also known as c.1612C>G), located in coding exon 11 of the ARMC4 gene, results from a C to G substitution at nucleotide position 1612. The proline at codon 538 is replaced by alanine, an amino acid with highly similar properties. This amino acid position is conserved. In addition, this alteration is predicted to be tolerated by in silico analysis. Since supporting evidence is limited at this time, the clinical significance of this alteration remains unclear.

NM_018076.5(ODAD2):c.1612C>G (p.Pro538Ala)

Gene: ODAD2 (outer dynein arm docking complex subunit 2; minus strand). Cytogenetic location: 10p12.1.
Variant type: single nucleotide variant.
Coding change: c.1612C>G on transcript NM_018076.5 (MANE Select); coding-DNA position 1612, C replaced by G.
Protein change: p.Pro538Ala; replaces proline 538 with alanine.
Molecular consequence: missense variant.
Genome position (GRCh38, 1-based): chr10:27,944,353, G>C on the plus strand (C>G on the coding strand, the complement: ODAD2 is on the minus strand). VCF-style: chr10-27944353-G-C. GRCh37 (hg19) VCF-style: chr10-28233282-G-C.
Other names: c.1612C>G, p.Pro538Ala (NM_001290020.2); c.187C>G, p.Pro63Ala (NM_001290021.2); c.688C>G, p.Pro230Ala (NM_001312689.2); short protein forms P230A, P538A, P63A.
Identifiers: ClinVar variation 1800108 (VCV001800108.2), dbSNP rs566969143, ClinGen allele CA5453473.